The following is an entry in ClinVar:

NM_000379.4(XDH):c.2460C>T (p.Thr820=)

Gene: XDH (xanthine dehydrogenase; minus strand). Cytogenetic location: 2p23.1.
Variant type: single nucleotide variant.
Coding change: c.2460C>T on transcript NM_000379.4 (MANE Select); coding-DNA position 2460, C replaced by T.
Protein change: p.Thr820=; no amino-acid change (threonine 820 retained).
Molecular consequence: synonymous variant.
Genome position (GRCh38, 1-based): chr2:31,365,541, G>A on the plus strand (C>T on the coding strand, the complement: XDH is on the minus strand). VCF-style: chr2-31365541-G-A. GRCh37 (hg19) VCF-style: chr2-31588407-G-A.
Identifiers: ClinVar variation 745942 (VCV000745942.12), dbSNP rs143539472, ClinGen allele CA1598804.
Genomic context (GRCh38, chr2:31,365,541, plus strand): 5'-TCTGCCACCAGTTATCAGCATGTCCTCATCACGGTCCAGCATGCATCGCACAGGGCGGCC[G>A]GTCCTGGGGGTTACCGACAGTGTTAGAAGCCTGTGAGCCTTCAACAGCAGCTCAGCCCTG-3'
Protein context (NP_000370.2, residues 810-830): STAVALAAYK[Thr820=]GRPVRCMLDR

ClinVar aggregate classification (germline): Likely benign. Review status: criteria provided, multiple submitters, no conflicts (2 of 4 stars). 4 submissions from 4 submitters: Likely benign (3). 1 of the submissions does not count toward it. Last evaluated 2025-06-12.

Conditions:
Hereditary xanthinuria type 1 (XAN1). Identifiers: Orphanet 3467, Orphanet 93601, MedGen C0268118, MONDO:0010209, OMIM 278300.
XDH-related disorder. Also called: XDH-related condition.
Xanthinuria type II. Also called: Xanthine dehydrogenase and aldehyde oxidase combined deficiency of; XDH and AOX dual deficiency. Identifiers: Orphanet 3467, Orphanet 93602, MedGen C1863688, MONDO:0011346, OMIM 603592.

Allele frequency attached by ClinVar (database versions not stated): gnomAD exomes 0.00005; ExAC 0.00006; gnomAD 0.00020 and 0.00022; TOPMed 0.00021; ESP Exome Variant Server 0.00038.
gnomAD v4.1: 95 of 1,614,010 alleles (0.0059%); highest among the groups gnomAD compares: African/African-American, 0.052%; no homozygotes.

Submissions (4):

Labcorp Genetics (formerly Invitae), Labcorp
Classification: Likely benign for Xanthinuria type II. Last evaluated: 2025-06-12. Review status: criteria provided, single submitter. Criteria: Invitae Variant Classification Sherloc (09022015). Collection method: clinical testing. Allele origin: germline.

Women's Health and Genetics/Laboratory Corporation of America, LabCorp
Classification: Likely benign. Last evaluated: 2024-04-26. Review status: criteria provided, single submitter. Criteria: LabCorp Variant Classification Summary - May 2015. Collection method: clinical testing. Allele origin: germline.

Fulgent Genetics
Classification: Likely benign for Hereditary xanthinuria type 1. Last evaluated: 2022-03-16. Review status: criteria provided, single submitter. Criteria: ACMG Guidelines, 2015. Collection method: clinical testing. Allele origin: unknown.

PreventionGenetics, part of Exact Sciences
Classification: Likely benign for XDH-related condition. Last evaluated: 2019-06-24. Review status: no assertion criteria provided. Collection method: clinical testing. Allele origin: germline. Not counted in ClinVar's aggregate classification.
Comment: This variant is classified as likely benign based on ACMG/AMP sequence variant interpretation guidelines (Richards et al. 2015 PMID: 25741868, with internal and published modifications).